The following is an entry in ClinVar:

ClinVar aggregate classification (germline): Uncertain significance. Review status: criteria provided, single submitter (1 of 4 stars). 2 submissions from 2 submitters: Uncertain significance (1). 1 of the submissions does not count toward it. Last evaluated 2025-10-29.

Conditions:
Autism spectrum disorder. Also called: Autism spectrum disorders. Identifiers: MedGen C1510586, MeSH D000067877, MONDO:0005258.

Allele frequency attached by ClinVar (database versions not stated): ExAC 0.00001; gnomAD exomes 0.00001 and 0.00002; TOPMed 0.00002; gnomAD 0.00003; 1000 Genomes Project 30x 0.00016; 1000 Genomes Project 0.00020.
gnomAD v4.1: 32 of 1,609,926 alleles (0.002%); highest among the groups gnomAD compares: African/African-American, 0.012%; no homozygotes.

Submissions (2):

Women's Health and Genetics/Laboratory Corporation of America, LabCorp
Classification: Uncertain significance. Last evaluated: 2025-10-29. Review status: criteria provided, single submitter. Criteria: LabCorp Variant Classification Summary - May 2015. Collection method: clinical testing. Allele origin: germline.
Comment: Variant summary: POGZ c.2542C>T (p.Arg848Trp) results in a non-conservative amino acid change in the encoded protein sequence. Algorithms developed to predict the effect of missense changes on protein structure and function are either unavailable or do not agree on the potential impact of this missense change. The variant allele was found at a frequency of 1.2e-05 in 251370 control chromosomes. The available data on variant occurrences in the general population are insufficient to allow any conclusion about variant significance. To our knowledge, no occurrence of c.2542C>T in individuals affected with POGZ-related conditions and no experimental evidence demonstrating its impact on protein function have been reported. ClinVar contains an entry for this variant (Variation ID: 560570). Based on the evidence outlined above, the variant was classified as uncertain significance.

Center of Medical Genetics, Central South University
Classification: association for Autism spectrum disorder. Review status: no assertion criteria provided. Collection method: clinical testing. Allele origin: maternal. Affected: yes. Observed: 1 variant allele. Not counted in ClinVar's aggregate classification.

NM_015100.4(POGZ):c.2542C>T (p.Arg848Trp)

Gene: POGZ (pogo transposable element derived with ZNF domain; minus strand). Cytogenetic location: 1q21.3.
Variant type: single nucleotide variant.
Coding change: c.2542C>T on transcript NM_015100.4 (MANE Select); coding-DNA position 2542, C replaced by T.
Protein change: p.Arg848Trp; replaces arginine 848 with tryptophan.
Molecular consequence: missense variant.
Genome position (GRCh38, 1-based): chr1:151,406,914, G>A on the plus strand (C>T on the coding strand, the complement: POGZ is on the minus strand). VCF-style: chr1-151406914-G-A. GRCh37 (hg19) VCF-style: chr1-151379390-G-A.
Other names: c.2515C>T, p.Arg839Trp (NM_001194937.2); c.2356C>T, p.Arg786Trp (NM_001194938.2); c.2257C>T, p.Arg753Trp (NM_145796.4); c.2383C>T, p.Arg795Trp (NM_207171.2); short protein forms R848W, R753W, R786W, R795W, R839W.
Identifiers: ClinVar variation 560570 (VCV000560570.2), dbSNP rs548226228, ClinGen allele CA1091156.